The following is an entry in ClinVar:

ClinVar aggregate classification (germline): Conflicting classifications of pathogenicity. Review status: criteria provided, conflicting classifications (1 of 4 stars). 2 submissions from 2 submitters: Uncertain significance (1); Likely benign (1). Last evaluated 2024-08-07.

Conditions:
Intellectual developmental disorder, autosomal dominant 6, with or without seizures. Also called: Intellectual disability, autosomal dominant 6; GRIN2B-related developmental delay, intellectual disability and autism spectrum disorder. Identifiers: Orphanet 589547, MedGen C3151411, MONDO:0013509, OMIM 613970.
Developmental and epileptic encephalopathy, 27 (DEE27). Also called: GRIN2B-Related Neurodevelopmental Disorder; Epileptic encephalopathy, early infantile, 27. Identifiers: Orphanet 3451, MedGen C4015316, MONDO:0014505, OMIM 616139.

Submissions (2):

GeneDx
Classification: Uncertain significance. Last evaluated: 2024-08-07. Review status: criteria provided, single submitter. Criteria: GeneDx Variant Classification Process June 2021. Collection method: clinical testing. Allele origin: germline. Affected: yes.
Comment: Not observed at significant frequency in large population cohorts (gnomAD); Has not been previously published as pathogenic or benign to our knowledge

Labcorp Genetics (formerly Invitae), Labcorp
Classification: Likely benign for Developmental and epileptic encephalopathy, 27; Intellectual developmental disorder, autosomal dominant 6, with or without seizures. Last evaluated: 2019-06-01. Review status: criteria provided, single submitter. Criteria: Invitae Variant Classification Sherloc (09022015). Collection method: clinical testing. Allele origin: germline.

NM_000834.5(GRIN2B):c.4309_4310delinsAT (p.Ala1437Ile)

Gene: GRIN2B (glutamate ionotropic receptor NMDA type subunit 2B; minus strand). Cytogenetic location: 12p13.1.
Variant type: Indel.
Coding change: c.4309_4310delinsAT on transcript NM_000834.5 (MANE Select); coding-DNA positions 4309 to 4310, GC replaced by AT.
Protein change: p.Ala1437Ile; replaces alanine 1437 with isoleucine.
Molecular consequence: missense variant.
Genome position (GRCh38, 1-based): chr12:13,562,928-13,562,929, GC replaced by AT on the plus strand (GC replaced by AT on the coding strand, the reverse complement: GRIN2B is on the minus strand). VCF-style: chr12-13562928-GC-AT. GRCh37 (hg19) VCF-style: chr12-13715862-GC-AT.
Other names: c.4309_4310delinsAT (NM_000834.3); c.4309_4310delGCinsAT (NM_000834.3); short protein forms A1437I.
Identifiers: ClinVar variation 765967 (VCV000765967.12), dbSNP rs1591604894, ClinGen allele CA915947888.